The following is an entry in ClinVar:

ClinVar aggregate classification (germline): Uncertain significance (1 of 4 stars; one submission).

Allele frequency attached by ClinVar (database versions not stated): ExAC 0.00001; gnomAD 0.00001 and 0.00002; gnomAD exomes 0.00001 and 0.00002; TOPMed 0.00001.

Submission:

Labcorp Genetics (formerly Invitae), Labcorp
Classification: Uncertain significance. Last evaluated: 2025-08-12. Review status: criteria provided, single submitter. Criteria: Invitae Variant Classification Sherloc (09022015). Collection method: clinical testing. Allele origin: germline.
Comment: This sequence change creates a premature translational stop signal (p.Leu810Argfs*9) in the SAMD9 gene. While this is not anticipated to result in nonsense mediated decay, it is expected to disrupt the last 780 amino acid(s) of the SAMD9 protein. This variant is present in population databases (rs754682698, gnomAD 0.004%). This variant has not been reported in the literature in individuals affected with SAMD9-related conditions. ClinVar contains an entry for this variant (Variation ID: 1499633). Experimental studies and prediction algorithms are not available or were not evaluated, and the functional significance of this variant is currently unknown. In summary, the available evidence is currently insufficient to determine the role of this variant in disease. Therefore, it has been classified as a Variant of Uncertain Significance.

NM_017654.4(SAMD9):c.2429del (p.Leu810fs)

Gene: SAMD9 (sterile alpha motif domain containing 9; minus strand). Cytogenetic location: 7q21.2.
Variant type: Deletion.
Coding change: c.2429del on transcript NM_017654.4 (MANE Select); coding-DNA position 2429, one base deleted (T; older notation c.2429delT).
Protein change: p.Leu810fs; shifts the reading frame from leucine 810.
Molecular consequence: frameshift variant.
Genome position (GRCh38, 1-based): chr7:93,103,669, A deleted on the plus strand (T on the coding strand, the reverse complement: SAMD9 is on the minus strand). VCF-style (leftmost placement, unchanged base first): chr7-93103668-CA-C. GRCh37 (hg19) VCF-style: chr7-92732981-CA-C.
Other names: c.2429del, p.Leu810fs (NM_001193307.2); short protein forms L810fs.
Identifiers: ClinVar variation 1499633 (VCV001499633.5), dbSNP rs754682698, ClinGen allele CA4342839.